The following is an entry in ClinVar:

ClinVar aggregate classification (germline): Conflicting classifications of pathogenicity. Review status: criteria provided, conflicting classifications (1 of 4 stars). 4 submissions from 4 submitters: Uncertain significance (1); Benign (1); Likely benign (1). 1 of the submissions does not count toward it. Last evaluated 2025-08-29.

Conditions:
TJP2-related disorder. Also called: TJP2-related condition.

Allele frequency attached by ClinVar (database versions not stated): gnomAD 0.00004 and 0.00011; gnomAD exomes 0.00009 and 0.00027; TOPMed 0.00020; ExAC 0.00026; 1000 Genomes Project 30x 0.00062; 1000 Genomes Project 0.00080.
gnomAD v4.1: 148 of 1,614,220 alleles (0.0092%); highest among the groups gnomAD compares: East Asian, 0.24%; 1 homozygote.

Submissions (4):

Labcorp Genetics (formerly Invitae), Labcorp
Classification: Benign. Last evaluated: 2025-08-29. Review status: criteria provided, single submitter. Criteria: Invitae Variant Classification Sherloc (09022015). Collection method: clinical testing. Allele origin: germline.

GeneDx
Classification: Likely benign. Last evaluated: 2021-06-28. Review status: criteria provided, single submitter. Criteria: GeneDx Variant Classification Process June 2021. Collection method: clinical testing. Allele origin: germline. Affected: yes.

Eurofins Ntd Llc (ga)
Classification: Uncertain significance. Last evaluated: 2017-08-08. Review status: criteria provided, single submitter. Criteria: EGL Classification Definitions 2015. Collection method: clinical testing. Allele origin: germline. Observed: 4 variant alleles, 4 heterozygotes.

PreventionGenetics, part of Exact Sciences
Classification: Likely benign for TJP2-related condition. Last evaluated: 2024-01-17. Review status: no assertion criteria provided. Collection method: clinical testing. Allele origin: germline. Not counted in ClinVar's aggregate classification.
Comment: This variant is classified as likely benign based on ACMG/AMP sequence variant interpretation guidelines (Richards et al. 2015 PMID: 25741868, with internal and published modifications).

NM_004817.4(TJP2):c.2751C>T (p.Arg917=)

Gene: TJP2 (tight junction protein 2; plus strand). Cytogenetic location: 9q21.11.
Variant type: single nucleotide variant.
Coding change: c.2751C>T on transcript NM_004817.4 (MANE Select); coding-DNA position 2751, C replaced by T.
Protein change: p.Arg917=; no amino-acid change (arginine 917 retained).
Molecular consequence: synonymous variant. On other transcripts: intron variant (1).
Genome position (GRCh38, 1-based): chr9:69,248,095, C>T. VCF-style: chr9-69248095-C-T. GRCh37 (hg19) VCF-style: chr9-71863011-C-T.
Other names: c.2682C>T, p.Arg894= (NM_001170414.2, NM_001369871.1); c.2763C>T, p.Arg921= (NM_001170415.1, NM_001369874.1, NM_001369875.1); c.2844C>T, p.Arg948= (NM_001170416.2); c.2676C>T, p.Arg892= (NM_001369870.1); c.2751C>T, p.Arg917= (NM_001369872.1, NM_201629.3, LRG_1201t1); c.2667+1305C>T (NM_001369873.1).
Identifiers: ClinVar variation 498684 (VCV000498684.18), dbSNP rs184519036, ClinGen allele CA5073764.
Genomic context (GRCh38, chr9:69,248,095, plus strand): 5'-CGAAGACCGCATGTCCTACTTAACCGCCATGGGCGCGGACTATCTGAGTTGCGACAGCCG[C>T]CTCATCAGTGACTTTGAAGACACGGACGGTGAAGGAGGCGCCTACACTGACAATGAGCTG-3'
Protein context (NP_004808.2, residues 907-927): MGADYLSCDS[Arg917=]LISDFEDTDG